The following is an entry in ClinVar:

ClinVar aggregate classification (germline): Uncertain significance (1 of 4 stars; one submission).

Conditions:
Fanconi anemia (FA). Also called: Fanconi's anemia. Identifiers: Orphanet 84, MedGen C0015625, MeSH D005199, MONDO:0019391.

Allele frequency attached by ClinVar (database versions not stated): gnomAD exomes below 0.00001.

Submission:

Labcorp Genetics (formerly Invitae), Labcorp
Classification: Uncertain significance for Fanconi anemia. Last evaluated: 2024-09-08. Review status: criteria provided, single submitter. Criteria: Invitae Variant Classification Sherloc (09022015). Collection method: clinical testing. Allele origin: germline.
Comment: This sequence change replaces histidine, which is basic and polar, with arginine, which is basic and polar, at codon 308 of the FANCF protein (p.His308Arg). This variant is not present in population databases (gnomAD no frequency). This variant has not been reported in the literature in individuals affected with FANCF-related conditions. ClinVar contains an entry for this variant (Variation ID: 650780). Invitae Evidence Modeling of protein sequence and biophysical properties (such as structural, functional, and spatial information, amino acid conservation, physicochemical variation, residue mobility, and thermodynamic stability) indicates that this missense variant is not expected to disrupt FANCF protein function with a negative predictive value of 80%. In summary, the available evidence is currently insufficient to determine the role of this variant in disease. Therefore, it has been classified as a Variant of Uncertain Significance.

NM_022725.4(FANCF):c.923A>G (p.His308Arg)

Genes: FANCF (FA complementation group F; minus strand), LOC130005444 (ATAC-STARR-seq lymphoblastoid active region 4534; plus strand). Cytogenetic location: 11p14.3.
Variant type: single nucleotide variant.
Coding change: c.923A>G on transcript NM_022725.4 (MANE Select); coding-DNA position 923, A replaced by G.
Protein change: p.His308Arg; replaces histidine 308 with arginine.
Molecular consequence: missense variant.
Genome position (GRCh38, 1-based): chr11:22,624,888, T>C on the plus strand (A>G on the coding strand, the complement: FANCF is on the minus strand). VCF-style: chr11-22624888-T-C. GRCh37 (hg19) VCF-style: chr11-22646434-T-C.
Other names: short protein forms H308R.
Identifiers: ClinVar variation 650780 (VCV000650780.9), dbSNP rs1590540697, ClinGen allele CA380058047.